The following is an entry in ClinVar:

ClinVar aggregate classification (germline): Likely benign (1 of 4 stars; one submission).

Conditions:
Juvenile polyposis/hereditary hemorrhagic telangiectasia syndrome (JPHT). Also called: Juvenile Polyposis Syndrome / Hereditary Hemorrhagic Telangiectasia (JPS/HHT); JP/HHT SYNDROME; JUVENILE POLYPOSIS WITH HEREDITARY HEMORRHAGIC TELANGIECTASIA; POLYPOSIS, GENERALIZED JUVENILE, WITH PULMONARY ARTERIOVENOUS MALFORMATION; TELANGIECTASIA, HEREDITARY HEMORRHAGIC, WITH JUVENILE POLYPOSIS COLI. Identifiers: Orphanet 2929, MedGen C1832942, MONDO:0008278, OMIM 175050.

Submission:

All of Us Research Program, National Institutes of Health
Classification: Likely benign for Juvenile polyposis/hereditary hemorrhagic telangiectasia syndrome. Last evaluated: 2024-03-24. Review status: criteria provided, single submitter. Criteria: ACMG Guidelines, 2015. Collection method: clinical testing. Allele origin: germline. Inheritance: Autosomal dominant inheritance. Observed: 2 variant alleles, 2 heterozygotes.
Comment: This study involves interpretation of variants in research participants for the purpose of population health screening. Participant phenotype was not available at the time of variant classification. Additional details can be found in publication PMID: 35346344, PMCID: PMC8962531

NM_005359.6(SMAD4):c.1309-13T>G

Gene: SMAD4 (SMAD family member 4; plus strand). Cytogenetic location: 18q21.2.
Variant type: single nucleotide variant.
Coding change: c.1309-13T>G on transcript NM_005359.6 (MANE Select); 13 bases into the intron before coding-DNA position 1309, T replaced by G.
Molecular consequence: intron variant.
Genome position (GRCh38, 1-based): chr18:51,076,625, T>G. VCF-style: chr18-51076625-T-G. GRCh37 (hg19) VCF-style: chr18-48602995-T-G.
Other names: c.1309-13T>G (NM_001407042.1, NM_001407041.1).
Identifiers: ClinVar variation 3070201 (VCV003070201.2), dbSNP rs2144473421, ClinGen allele CA2825002709.
Genomic context (GRCh38, chr18:51,076,625, plus strand): 5'-AGTCAGGCATTGGTTTTTAATGTATGGAATTTTTCTTTATGAACTCATAGTATGAAATGT[T>G]TTTTCTTAAAAGGTCTTTGATTTGCGTCAGTGTCATCGACAGATGCAGCAGCAGGCGGCT-3'